The following is an entry in ClinVar:

NM_001122764.3(PPOX):c.997C>T (p.His333Tyr)

Gene: PPOX (protoporphyrinogen oxidase; plus strand). Cytogenetic location: 1q23.3.
Variant type: single nucleotide variant.
Coding change: c.997C>T on transcript NM_001122764.3 (MANE Select); coding-DNA position 997, C replaced by T.
Protein change: p.His333Tyr; replaces histidine 333 with tyrosine.
Molecular consequence: missense variant. On other transcripts: intron variant (1).
Genome position (GRCh38, 1-based): chr1:161,170,418, C>T. VCF-style: chr1-161170418-C-T. GRCh37 (hg19) VCF-style: chr1-161140208-C-T.
Other names: c.511C>T, p.His171Tyr (NM_001350131.2, NM_001365401.1, NM_001350130.2); c.997C>T, p.His333Tyr (NM_001365398.1, NM_000309.5); c.589C>T, p.His197Tyr (NM_001365400.1, NM_001350129.2); c.988-202C>T (NM_001365399.1); c.898C>T, p.His300Tyr (NM_001350128.2); short protein forms H197Y, H333Y, H171Y, H300Y.
Identifiers: ClinVar variation 1504830 (VCV001504830.8), dbSNP rs2101898031, ClinGen allele CA343356865.
Genomic context (GRCh38, chr1:161,170,418, plus strand): 5'-AGCCTCAGCTAGAGCCCTTTCCTTCTGACGCATGAATGTCCTTCTCTCCAGGGATTTGGA[C>T]ATTTGGTGCCATCTTCAGAAGATCCAGGAGTCCTGGGAATCGTGTATGACTCAGTTGCTT-3'
Protein context (NP_001116236.1, residues 323-343): GAHLPVQGFG[His333Tyr]LVPSSEDPGV

ClinVar aggregate classification (germline): Uncertain significance (1 of 4 stars; one submission).

Submission:

Labcorp Genetics (formerly Invitae), Labcorp
Classification: Uncertain significance. Last evaluated: 2021-06-18. Review status: criteria provided, single submitter. Criteria: Invitae Variant Classification Sherloc (09022015). Collection method: clinical testing. Allele origin: germline.
Comment: This variant has been observed in individual(s) with clinical features of porphyria (Invitae). In summary, the available evidence is currently insufficient to determine the role of this variant in disease. Therefore, it has been classified as a Variant of Uncertain Significance. Algorithms developed to predict the effect of missense changes on protein structure and function are either unavailable or do not agree on the potential impact of this missense change (SIFT: "Tolerated"; PolyPhen-2: "Possibly Damaging"; Align-GVGD: "Class C0"). This variant is not present in population databases (ExAC no frequency). This sequence change replaces histidine with tyrosine at codon 333 of the PPOX protein (p.His333Tyr). The histidine residue is moderately conserved and there is a moderate physicochemical difference between histidine and tyrosine.